The following is an entry in ClinVar:

NM_000208.4(INSR):c.1926G>A (p.Trp642Ter)

Gene: INSR (insulin receptor; minus strand). Cytogenetic location: 19p13.2.
Variant type: single nucleotide variant.
Coding change: c.1926G>A on transcript NM_000208.4 (MANE Select); coding-DNA position 1926, G replaced by A.
Protein change: p.Trp642Ter; replaces tryptophan 642 with a stop codon.
Molecular consequence: nonsense.
Genome position (GRCh38, 1-based): chr19:7,163,135, C>T on the plus strand (G>A on the coding strand, the complement: INSR is on the minus strand). VCF-style: chr19-7163135-C-T. GRCh37 (hg19) VCF-style: chr19-7163146-C-T.
Other names: c.1926G>A, p.Trp642Ter (NM_001079817.3); short protein forms W642*.
Identifiers: ClinVar variation 3346459 (VCV003346459.1).

ClinVar aggregate classification (germline): Likely pathogenic (0 of 4 stars; one submission).

Conditions:
INSR-related disorder.

Submission:

PreventionGenetics, part of Exact Sciences
Classification: Likely pathogenic for INSR-related condition. Last evaluated: 2024-07-31. Review status: no assertion criteria provided. Collection method: clinical testing. Allele origin: germline.
Comment: The INSR c.1926G>A variant is predicted to result in premature protein termination (p.Trp642*). To our knowledge, this variant has not been reported in the literature or in a large population database, indicating this variant is rare. Nonsense variants in INSR are expected to be pathogenic. This variant is interpreted as likely pathogenic.